The following is an entry in ClinVar:

ClinVar aggregate classification (germline): Uncertain significance. Review status: criteria provided, multiple submitters, no conflicts (2 of 4 stars). 3 submissions from 3 submitters: Uncertain significance (3). Last evaluated 2025-11-24.

Conditions:
GRN-related frontotemporal lobar degeneration with Tdp43 inclusions (FTD2). Also called: GRN Frontotemporal Dementia; DEMENTIA, HEREDITARY DYSPHASIC DISINHIBITION; FRONTOTEMPORAL LOBAR DEGENERATION WITH UBIQUITIN-POSITIVE INCLUSIONS; FTLD-TDP, GRN-RELATED; FRONTOTEMPORAL DEMENTIA WITH TDP43 INCLUSIONS, GRN-RELATED. Identifiers: Orphanet 100070, Orphanet 282, MedGen C1843792, MONDO:0011842, OMIM 607485. Disease mechanism: loss of function.
Neuronal ceroid lipofuscinosis 11. Also called: GRN-Related Neuronal Ceroid-Lipofuscinosis. Identifiers: Orphanet 314629, Orphanet 79262, MedGen C3539123, MONDO:0013866, OMIM 614706.

Submissions (3):

Labcorp Genetics (formerly Invitae), Labcorp
Classification: Uncertain significance for Neuronal ceroid lipofuscinosis 11; GRN-related frontotemporal lobar degeneration with Tdp43 inclusions. Last evaluated: 2025-11-24. Review status: criteria provided, single submitter. Criteria: Invitae Variant Classification Sherloc (09022015). Collection method: clinical testing. Allele origin: germline.
Comment: This sequence change replaces cysteine, which is neutral and slightly polar, with aspartic acid, which is acidic and polar, at codon 558 of the GRN protein (p.Cys558Asp). This variant is present in population databases (no rsID available, gnomAD 0.003%). This variant has not been reported in the literature in individuals affected with GRN-related conditions. ClinVar contains an entry for this variant (Variation ID: 1334806). An algorithm developed to predict the effect of missense changes on protein structure and function (PolyPhen-2) suggests that this variant is likely to be disruptive. In summary, the available evidence is currently insufficient to determine the role of this variant in disease. Therefore, it has been classified as a Variant of Uncertain Significance.

AiLife Diagnostics
Classification: Uncertain significance. Last evaluated: 2021-11-17. Review status: criteria provided, single submitter. Criteria: ACMG Guidelines, 2015. Collection method: clinical testing. Allele origin: germline. Affected: yes. Observed: 1 variant allele.

Genetic Services Laboratory, University of Chicago
Classification: Uncertain significance. Last evaluated: 2020-09-18. Review status: criteria provided, single submitter. Criteria: ACMG Guidelines, 2015. Collection method: clinical testing. Allele origin: germline. Affected: no.

NM_002087.4(GRN):c.1672_1673delinsGA (p.Cys558Asp)

Gene: GRN (granulin precursor; plus strand). Cytogenetic location: 17q21.31.
Variant type: Indel.
Coding change: c.1672_1673delinsGA on transcript NM_002087.4 (MANE Select); coding-DNA positions 1672 to 1673, TG replaced by GA.
Protein change: p.Cys558Asp; replaces cysteine 558 with aspartic acid.
Molecular consequence: missense variant.
Genome position (GRCh38, 1-based): chr17:44,352,688-44,352,689, TG replaced by GA. VCF-style: chr17-44352688-TG-GA. GRCh37 (hg19) VCF-style: chr17-42430056-TG-GA.
Other names: short protein forms C558D.
Identifiers: ClinVar variation 1334806 (VCV001334806.6), dbSNP rs2143350279, ClinGen allele CA2573054459.
Genomic context (GRCh38, chr17:44,352,688, plus strand): 5'-GTCCAACCCTCTCGCCCCCCTCTGACCATCCAGGGCGTCTGTTGTGCTGATCGGCGCCAC[TG>GA]CTGTCCTGCTGGCTTCCGCTGCGCAGCCAGGGGTACCAAGTGTTTGCGCAGGGAGGCCCC-3'
Protein context (NP_002078.1, residues 548-568): QGVCCADRRH[Cys558Asp]CPAGFRCAAR